The following is an entry in ClinVar:

NM_000142.5(FGFR3):c.1269G>A (p.Val423=)

Gene: FGFR3 (fibroblast growth factor receptor 3; plus strand). Cytogenetic location: 4p16.3.
Variant type: single nucleotide variant.
Coding change: c.1269G>A on transcript NM_000142.5 (MANE Select); coding-DNA position 1269, G replaced by A.
Protein change: p.Val423=; no amino-acid change (valine 423 retained).
Molecular consequence: synonymous variant. On other transcripts: non-coding transcript variant (1).
Genome position (GRCh38, 1-based): chr4:1,804,826, G>A. VCF-style: chr4-1804826-G-A. GRCh37 (hg19) VCF-style: chr4-1806553-G-A.
Other names: c.1275G>A, p.Val425= (NM_001163213.2); c.1272G>A, p.Val424= (NM_001354809.2, NM_001354810.2); c.933G>A, p.Val311= (NM_022965.4).
Identifiers: ClinVar variation 3666826 (VCV003666826.3).

ClinVar aggregate classification (germline): Likely benign. Review status: criteria provided, multiple submitters, no conflicts (2 of 4 stars). 2 submissions from 2 submitters: Likely benign (2). Last evaluated 2026-05-13.

Conditions:
FGFR3-related disorder. Also called: FGFR3-related disorders.

gnomAD v4.1: 5 of 1,549,700 alleles (0.00032%); highest among the groups gnomAD compares: South Asian, 0.0012%; no homozygotes.

Submissions (2):

PreventionGenetics, part of Exact Sciences
Classification: Likely benign for FGFR3-related condition. Last evaluated: 2026-05-13. Review status: criteria provided, single submitter. Criteria: ACMG Guidelines, 2015. Collection method: clinical testing. Allele origin: germline.
Comment: This variant is classified as likely benign based on ACMG/AMP sequence variant interpretation guidelines (Richards et al. 2015 PMID: 25741868, with internal and published modifications).

Labcorp Genetics (formerly Invitae), Labcorp
Classification: Likely benign. Last evaluated: 2024-10-13. Review status: criteria provided, single submitter. Criteria: Invitae Variant Classification Sherloc (09022015). Collection method: clinical testing. Allele origin: germline.